The following is an entry in ClinVar:

NM_003482.4(KMT2D):c.3572C>T (p.Pro1191Leu)

Genes: KMT2D (lysine methyltransferase 2D; minus strand), LOC126861520 (CDK7 strongly-dependent group 2 enhancer GRCh37_chr12:49442744-49443943; plus strand). Cytogenetic location: 12q13.12.
Variant type: single nucleotide variant.
Coding change: c.3572C>T on transcript NM_003482.4 (MANE Select); coding-DNA position 3572, C replaced by T.
Protein change: p.Pro1191Leu; replaces proline 1191 with leucine.
Molecular consequence: missense variant.
Genome position (GRCh38, 1-based): chr12:49,050,016, G>A on the plus strand (C>T on the coding strand, the complement: KMT2D is on the minus strand). VCF-style: chr12-49050016-G-A. GRCh37 (hg19) VCF-style: chr12-49443799-G-A.
Other names: short protein forms P1191L.
Identifiers: ClinVar variation 134673 (VCV000134673.64), dbSNP rs112236653, ClinGen allele CA160511.

ClinVar aggregate classification (germline): Benign/Likely benign. Review status: criteria provided, multiple submitters, no conflicts (2 of 4 stars). 15 submissions from 15 submitters: Benign (2); Likely benign (9). 4 of the submissions do not count toward it. Last evaluated 2026-06-01.

Conditions:
KMT2D-related disorder. Also called: KMT2D-Related Disorders.
Kabuki syndrome. Also called: Kabuki make-up syndrome; NIIKAWA-KUROKI SYNDROME. Identifiers: Orphanet 2322, MedGen C0796004, MONDO:0016512.
Kabuki syndrome 1 (KABUK1). Also called: KMT2D-Related Kabuki Syndrome. Identifiers: Orphanet 2322, MedGen CN030661, MONDO:0007843, OMIM 147920.

Allele frequency attached by ClinVar (database versions not stated): ExAC 0.00111; gnomAD exomes 0.00166 and 0.00100; 1000 Genomes Project 30x 0.00031; 1000 Genomes Project 0.00040; gnomAD 0.00074 and 0.00076; ESP Exome Variant Server 0.00080; TOPMed 0.00085.
gnomAD v4.1: 2,506 of 1,613,898 alleles (0.16%); highest among the groups gnomAD compares: Non-Finnish European, 0.2%; 2 homozygotes.

Submissions (15):

CeGaT Center for Human Genetics Tuebingen
Classification: Likely benign. Last evaluated: 2026-06-01. Review status: criteria provided, single submitter. Criteria: CeGaT Center For Human Genetics Tuebingen Variant Classification Criteria Version 2. Collection method: clinical testing. Allele origin: germline. Affected: yes. Observed: 6 variant alleles.
Comment: KMT2D: BP4, BS1

Labcorp Genetics (formerly Invitae), Labcorp
Classification: Likely benign for Kabuki syndrome. Last evaluated: 2026-02-01. Review status: criteria provided, single submitter. Criteria: Invitae Variant Classification Sherloc (09022015). Collection method: clinical testing. Allele origin: germline.

Blueprint Genetics
Classification: Likely benign. Last evaluated: 2024-11-26. Review status: criteria provided, single submitter. Criteria: ACMG Guidelines, 2015. Collection method: clinical testing. Allele origin: germline.

ARUP Laboratories, Molecular Genetics and Genomics, ARUP Laboratories
Classification: Likely benign. Last evaluated: 2024-08-28. Review status: criteria provided, single submitter. Criteria: ARUP Molecular Germline Variant Investigation Process 2024. Collection method: clinical testing. Allele origin: germline.

Fulgent Genetics
Classification: Likely benign for Kabuki syndrome 1. Last evaluated: 2022-01-05. Review status: criteria provided, single submitter. Criteria: ACMG Guidelines, 2015. Collection method: clinical testing. Allele origin: unknown.

GeneDx
Classification: Benign. Last evaluated: 2019-08-21. Review status: criteria provided, single submitter. Criteria: GeneDx Variant Classification Process June 2021. Collection method: clinical testing. Allele origin: germline. Affected: yes.
Comment: This variant is associated with the following publications: (PMID: 30459467, 29276005, 24633898)

Mendelics
Classification: Likely benign for Kabuki syndrome 1. Last evaluated: 2019-05-28. Review status: criteria provided, single submitter. Criteria: Mendelics Assertion Criteria 2017. Collection method: clinical testing. Allele origin: unknown.

Center for Pediatric Genomic Medicine, Children's Mercy Hospital and Clinics
Classification: Likely benign. Last evaluated: 2017-04-27. Review status: criteria provided, single submitter. Criteria: ACMG Guidelines, 2015. Collection method: clinical testing. Allele origin: germline.

Genetic Services Laboratory, University of Chicago
Classification: Benign. Last evaluated: 2017-03-14. Review status: criteria provided, single submitter. Criteria: ACMG Guidelines, 2015. Collection method: clinical testing. Allele origin: germline. Affected: no.

Eurofins Ntd Llc (ga)
Classification: Likely benign. Last evaluated: 2015-10-23. Review status: criteria provided, single submitter. Criteria: EGL Classification Definitions 2015. Collection method: clinical testing. Allele origin: germline. Observed: 3 variant alleles, 3 heterozygotes.

Breakthrough Genomics
Classification: Likely benign. Review status: criteria provided, single submitter. Criteria: ACMG Guidelines, 2015. Collection method: not provided. Allele origin: germline. Inheritance: Autosomal dominant inheritance. Affected: yes.

PreventionGenetics, part of Exact Sciences
Classification: Likely benign for KMT2D-related condition. Last evaluated: 2020-07-16. Review status: no assertion criteria provided. Collection method: clinical testing. Allele origin: germline. Not counted in ClinVar's aggregate classification.
Comment: This variant is classified as likely benign based on ACMG/AMP sequence variant interpretation guidelines (Richards et al. 2015 PMID: 25741868, with internal and published modifications).

ITMI
No classification provided. Condition: AllHighlyPenetrant. Last evaluated: 2013-09-19. Review status: no classification provided. Collection method: reference population. Allele origin: germline. Not counted in ClinVar's aggregate classification.
Comment: Please see associated publication for description of ethnicities

Clinical Genetics DNA and cytogenetics Diagnostics Lab, Erasmus MC, Erasmus Medical Center
Classification: Likely benign. Review status: no assertion criteria provided. Collection method: clinical testing. Allele origin: germline. Affected: yes. Study: VKGL Data-share Consensus. Not counted in ClinVar's aggregate classification.

Genome Diagnostics Laboratory, University Medical Center Utrecht
Classification: Likely benign. Review status: no assertion criteria provided. Collection method: clinical testing. Allele origin: germline. Affected: yes. Study: VKGL Data-share Consensus. Not counted in ClinVar's aggregate classification.

Literature cited by the submitters: PubMed 24728327 (cited by ITMI).